The following is an entry in ClinVar:

NM_153676.4(USH1C):c.2400C>T (p.Asp800=)

Gene: USH1C (USH1 protein network component harmonin; minus strand). Cytogenetic location: 11p15.1.
Variant type: single nucleotide variant.
Coding change: c.2400C>T on transcript NM_153676.4 (MANE Select); coding-DNA position 2400, C replaced by T.
Protein change: p.Asp800=; no amino-acid change (aspartic acid 800 retained).
Molecular consequence: synonymous variant. On other transcripts: non-coding transcript variant (1).
Genome position (GRCh38, 1-based): chr11:17,498,252, G>A on the plus strand (C>T on the coding strand, the complement: USH1C is on the minus strand). VCF-style: chr11-17498252-G-A. GRCh37 (hg19) VCF-style: chr11-17519799-G-A.
Other names: c.1443C>T, p.Asp481= (NM_001297764.2); c.1500C>T, p.Asp500= (NM_005709.4); c.2400C>T (NM_153676.3).
Identifiers: ClinVar variation 799609 (VCV000799609.15), dbSNP rs139787873, ClinGen allele CA5904173.

ClinVar aggregate classification (germline): Likely benign. Review status: criteria provided, multiple submitters, no conflicts (2 of 4 stars). 4 submissions from 4 submitters: Likely benign (2). 2 of the submissions do not count toward it. Last evaluated 2025-10-13.

Conditions:
USH1C-related disorder. Also called: USH1C-related condition.
Usher syndrome type 1C. Also called: USHER SYNDROME, TYPE I, ACADIAN VARIETY. Identifiers: Orphanet 231169, Orphanet 886, MedGen C1848604, MONDO:0010171, OMIM 276904.

Allele frequency attached by ClinVar (database versions not stated): gnomAD 0.00001 and 0.00003; TOPMed 0.00001; ESP Exome Variant Server 0.00008; gnomAD exomes 0.00008; ExAC 0.00011; 1000 Genomes Project 30x 0.00016; 1000 Genomes Project 0.00020.
gnomAD v4.1: 52 of 1,614,108 alleles (0.0032%); highest among the groups gnomAD compares: Admixed American, 0.017%; no homozygotes.

Submissions (4):

Labcorp Genetics (formerly Invitae), Labcorp
Classification: Likely benign. Last evaluated: 2025-10-13. Review status: criteria provided, single submitter. Criteria: Invitae Variant Classification Sherloc (09022015). Collection method: clinical testing. Allele origin: germline.

Blueprint Genetics
Classification: Likely benign. Last evaluated: 2022-11-21. Review status: criteria provided, single submitter. Criteria: ACMG Guidelines, 2015. Collection method: clinical testing. Allele origin: germline.

PreventionGenetics, part of Exact Sciences
Classification: Likely benign for USH1C-related condition. Last evaluated: 2020-08-19. Review status: no assertion criteria provided. Collection method: clinical testing. Allele origin: germline. Not counted in ClinVar's aggregate classification.
Comment: This variant is classified as likely benign based on ACMG/AMP sequence variant interpretation guidelines (Richards et al. 2015 PMID: 25741868, with internal and published modifications).

Natera, Inc.
Classification: Likely benign for Usher syndrome type 1C. Last evaluated: 2020-07-25. Review status: no assertion criteria provided. Collection method: clinical testing. Allele origin: germline. Not counted in ClinVar's aggregate classification.